The following is an entry in ClinVar:

ClinVar aggregate classification (germline): Likely benign (1 of 4 stars; one submission).

Submission:

Laboratory for Molecular Medicine, Mass General Brigham Personalized Medicine
Classification: Likely benign. Last evaluated: 2011-09-29. Review status: criteria provided, single submitter. Criteria: LMM Criteria. Collection method: clinical testing. Allele origin: germline. Observed: 1 variant allele.
Comment: This variant is not expected to have clinical significance because it does not a lter an amino acid residue and is not located near a splice junction.

NM_004999.4(MYO6):c.951T>C (p.Phe317=)

Gene: MYO6 (myosin VI; plus strand). Cytogenetic location: 6q14.1.
Variant type: single nucleotide variant.
Coding change: c.951T>C on transcript NM_004999.4 (MANE Select); coding-DNA position 951, T replaced by C.
Protein change: p.Phe317=; no amino-acid change (phenylalanine 317 retained).
Molecular consequence: synonymous variant. On other transcripts: non-coding transcript variant (1).
Genome position (GRCh38, 1-based): chr6:75,848,404, T>C. VCF-style: chr6-75848404-T-C. GRCh37 (hg19) VCF-style: chr6-76558121-T-C.
Other names: c.951T>C, p.Phe317= (NM_001300899.2, NM_001368136.1, NM_001368137.1 and 2 more transcripts); c.936T>C, p.Phe312= (NM_001368138.1).
Identifiers: ClinVar variation 45168 (VCV000045168.5), dbSNP rs397517055, ClinGen allele CA135650.